The following is an entry in ClinVar:

ClinVar aggregate classification (germline): Uncertain significance (1 of 4 stars; one submission).

gnomAD v4.1: 12 of 1,610,368 alleles (0.00075%); highest among the groups gnomAD compares: Admixed American, 0.0017%; no homozygotes.

Submission:

Ambry Genetics
Classification: Uncertain significance. Last evaluated: 2025-07-04. Review status: criteria provided, single submitter. Criteria: Ambry Variant Classification Scheme 2023. Collection method: clinical testing. Allele origin: germline.
Comment: The p.P1099S variant (also known as c.3295C>T), located in coding exon 12 of the WNK2 gene, results from a C to T substitution at nucleotide position 3295. The proline at codon 1099 is replaced by serine, an amino acid with similar properties. This amino acid position is conserved. In addition, this alteration is predicted to be tolerated by in silico analysis. Based on the available evidence, the clinical significance of this variant remains unclear.

NM_006648.4(WNK2):c.3295C>T (p.Pro1099Ser)

Gene: WNK2 (WNK lysine deficient protein kinase 2; plus strand). Cytogenetic location: 9q22.31.
Variant type: single nucleotide variant.
Coding change: c.3295C>T on transcript NM_006648.4 (MANE Select); coding-DNA position 3295, C replaced by T.
Protein change: p.Pro1099Ser; replaces proline 1099 with serine.
Molecular consequence: missense variant.
Genome position (GRCh38, 1-based): chr9:93,262,042, C>T. VCF-style: chr9-93262042-C-T. GRCh37 (hg19) VCF-style: chr9-96024324-C-T.
Other names: c.3295C>T, p.Pro1099Ser (NM_001282394.3); short protein forms P1099S.
Identifiers: ClinVar variation 4201586 (VCV004201586.1).